The following is an entry in ClinVar:

ClinVar aggregate classification (germline): Likely pathogenic (1 of 4 stars; one submission).

Conditions:
Methylcobalamin deficiency type cblE (HMAE). Also called: HOMOCYSTINURIA-MEGALOBLASTIC ANEMIA, cblE TYPE; HOMOCYSTINURIA-MEGALOBLASTIC ANEMIA, cblE COMPLEMENTATION TYPE; VITAMIN B12-RESPONSIVE HOMOCYSTINURIA, cblE TYPE. Identifiers: Orphanet 2169, Orphanet 622, MedGen C1856057, MONDO:0009354, OMIM 236270.

Submission:

Natera, Inc.
Classification: Likely pathogenic for CblE complementation type homocystinuria-megaloblastic anemia due to defect in cobalamin metabolism. Last evaluated: 2024-10-08. Review status: criteria provided, single submitter. Criteria: Natera Variant Classification Schema (03/2026). Collection method: clinical testing. Allele origin: germline.
Comment: The c.1371-2A>G variant in MTRR is a canonical splice acceptor site variant predicted to affect pre-mRNA splicing, which may result in an abnormal transcript and altered protein product. This variant is expected to result in nonsense mediated decay, truncation, or a dysfunctional protein product. This variant is rare in the general population with a frequency below the threshold expected for the associated phenotype(s). Given the available evidence, this variant is classified as Likely Pathogenic.

NM_002454.3(MTRR):c.1371-2A>G

Gene: MTRR (5-methyltetrahydrofolate-homocysteine methyltransferase reductase; plus strand). Cytogenetic location: 5p15.31.
Variant type: single nucleotide variant.
Coding change: c.1371-2A>G on transcript NM_002454.3 (MANE Select); the canonical splice acceptor site of the intron before coding-DNA position 1371, A replaced by G.
Molecular consequence: splice acceptor variant.
Genome position (GRCh38, 1-based): chr5:7,892,725, A>G. VCF-style: chr5-7892725-A-G. GRCh37 (hg19) VCF-style: chr5-7892838-A-G.
Other names: c.1371-2A>G (NM_001364440.2, NM_001364441.2, NM_001364442.2 and 1 more transcripts).
Identifiers: ClinVar variation 4815054 (VCV004815054.1).